The following is an entry in ClinVar:

NM_139343.3(BIN1):c.1577A>G (p.Gln526Arg)

Gene: BIN1 (bridging integrator 1; minus strand). Cytogenetic location: 2q14.3.
Variant type: single nucleotide variant.
Coding change: c.1577A>G on transcript NM_139343.3 (MANE Select); coding-DNA position 1577, A replaced by G.
Protein change: p.Gln526Arg; replaces glutamine 526 with arginine.
Molecular consequence: missense variant.
Genome position (GRCh38, 1-based): chr2:127,050,518, T>C on the plus strand (A>G on the coding strand, the complement: BIN1 is on the minus strand). VCF-style: chr2-127050518-T-C. GRCh37 (hg19) VCF-style: chr2-127808094-T-C.
Other names: c.1070A>G, p.Gln357Arg (NM_001320632.2); c.1208A>G, p.Gln403Arg (NM_001320633.2); c.953A>G, p.Gln318Arg (NM_001320634.1); c.1337A>G, p.Gln446Arg (NM_001320640.2); c.1484A>G, p.Gln495Arg (NM_001320641.2); c.1496A>G, p.Gln499Arg (NM_001320642.1); c.1160A>G, p.Gln387Arg (NM_004305.4); c.1448A>G, p.Gln483Arg (NM_139344.3); and 7 more; short protein forms Q526R, Q387R, Q499R, Q318R, Q403R, Q415R, Q483R, Q372R.
Identifiers: ClinVar variation 288375 (VCV000288375.15), dbSNP rs886043878, ClinGen allele CA10606068.

ClinVar aggregate classification (germline): Uncertain significance. Review status: criteria provided, multiple submitters, no conflicts (2 of 4 stars). 3 submissions from 3 submitters: Uncertain significance (3). Last evaluated 2020-07-27.

Conditions:
Myopathy, centronuclear, 2 (CNM2). Also called: MYOTUBULAR MYOPATHY, AUTOSOMAL RECESSIVE. Identifiers: Orphanet 169186, MedGen CN031787, MONDO:0009709, OMIM 255200.

Allele frequency attached by ClinVar (database versions not stated): gnomAD exomes below 0.00001.
gnomAD v4.1: 1 of 1,614,220 alleles (0.000062%); highest among the groups gnomAD compares: Non-Finnish European, 0.000085%; no homozygotes.

Submissions (3):

Labcorp Genetics (formerly Invitae), Labcorp
Classification: Uncertain significance for Myopathy, centronuclear, 2. Last evaluated: 2020-07-27. Review status: criteria provided, single submitter. Criteria: Invitae Variant Classification Sherloc (09022015). Collection method: clinical testing. Allele origin: germline.
Comment: In summary, the available evidence is currently insufficient to determine the role of this variant in disease. Therefore, it has been classified as a Variant of Uncertain Significance. Algorithms developed to predict the effect of sequence changes on RNA splicing suggest that this variant may create or strengthen a splice site, but this prediction has not been confirmed by published transcriptional studies. Algorithms developed to predict the effect of missense changes on protein structure and function (SIFT, PolyPhen-2, Align-GVGD) all suggest that this variant is likely to be tolerated, but these predictions have not been confirmed by published functional studies and their clinical significance is uncertain. This variant has not been reported in the literature in individuals with BIN1-related conditions. ClinVar contains an entry for this variant (Variation ID: 288375). This variant is not present in population databases (ExAC no frequency). This sequence change replaces glutamine with arginine at codon 526 of the BIN1 protein (p.Gln526Arg). The glutamine residue is moderately conserved and there is a small physicochemical difference between glutamine and arginine.

Mayo Clinic Laboratories, Mayo Clinic
Classification: Uncertain significance for Myopathy, centronuclear, 2. Last evaluated: 2017-03-10. Review status: criteria provided, single submitter. Criteria: ACMG Guidelines, 2015. Collection method: clinical testing. Allele origin: paternal.

Eurofins Ntd Llc (ga)
Classification: Uncertain significance. Last evaluated: 2016-06-16. Review status: criteria provided, single submitter. Criteria: EGL Classification Definitions 2015. Collection method: clinical testing. Allele origin: germline. Observed: 1 variant allele.